The following is an entry in ClinVar:

ClinVar aggregate classification (germline): Conflicting classifications of pathogenicity. Review status: criteria provided, conflicting classifications (1 of 4 stars). 4 submissions from 4 submitters: Uncertain significance (3); Likely benign (1). Last evaluated 2026-05-18.

Conditions:
Autosomal dominant nonsyndromic hearing loss 4A. Also called: Deafness, autosomal dominant 4A. Identifiers: Orphanet 90635, MedGen C1833503, MONDO:0010915, OMIM 600652.
Peripheral neuropathy-myopathy-hoarseness-hearing loss syndrome. Identifiers: Orphanet 397744, MedGen C3280556, MONDO:0013711, OMIM 614369.

Allele frequency attached by ClinVar (database versions not stated): TOPMed 0.00002.

Submissions (4):

Women's Health and Genetics/Laboratory Corporation of America, LabCorp
Classification: Likely benign. Last evaluated: 2026-05-18. Review status: criteria provided, single submitter. Criteria: LabCorp Variant Classification Summary - May 2015. Collection method: clinical testing. Allele origin: germline.
Comment: Variant summary: MYH14 c.5261G>A (p.Arg1754His) results in a non-conservative amino acid change in the encoded protein sequence. Algorithms developed to predict the effect of missense changes on protein structure and function all suggest that this variant is likely to be disruptive. The variant allele was found at a frequency of 6e-05 in 248774 control chromosomes (gnomAD). The observed variant frequency exceeds the estimated maximal expected allele frequency for disease-causing variants in MYH14. c.5261G>A has been observed in an individual(s) affected with hearing loss (Moteki_2015). This report does not provide unequivocal conclusions about association of the variant with disease. To our knowledge, no experimental evidence demonstrating an impact on protein function has been reported. ClinVar contains an entry for this variant (Variation ID: 892933). Based on the evidence outlined above, the variant was classified as likely benign.

GeneDx
Classification: Uncertain significance. Last evaluated: 2024-01-29. Review status: criteria provided, single submitter. Criteria: GeneDx Variant Classification Process June 2021. Collection method: clinical testing. Allele origin: germline. Affected: yes.
Comment: Identified in a patient with nonsyndromic hearing loss referred in published literature (PMID: 26346818); In silico analysis supports that this missense variant has a deleterious effect on protein structure/function; This variant is associated with the following publications: (PMID: 26346818)

Fulgent Genetics
Classification: Uncertain significance for Autosomal dominant nonsyndromic hearing loss 4A; Peripheral neuropathy-myopathy-hoarseness-hearing loss syndrome. Last evaluated: 2021-12-10. Review status: criteria provided, single submitter. Criteria: ACMG Guidelines, 2015. Collection method: clinical testing. Allele origin: unknown.

Illumina Laboratory Services, Illumina
Classification: Uncertain significance for Autosomal dominant nonsyndromic hearing loss 4A. Last evaluated: 2017-04-28. Review status: criteria provided, single submitter. Criteria: ICSL Variant Classification Criteria 13 December 2019. Collection method: clinical testing. Allele origin: germline.
Comment: This variant was observed as part of a predisposition screen in an ostensibly healthy population. A literature search was performed for the gene, cDNA change, and amino acid change (where applicable). Publications were found based on this search. However, the evidence from the literature, in combination with allele frequency data from public databases where available, was not sufficient to rule this variant in or out of causing disease. Therefore, this variant is classified as a variant of unknown significance.

Literature cited by the submitters: PubMed 26346818 (cited by Women's Health and Genetics/Laboratory Corporation of America, LabCorp and Illumina Laboratory Services, Illumina).

NM_001145809.2(MYH14):c.5384G>A (p.Arg1795His)

Gene: MYH14 (myosin heavy chain 14; plus strand). Cytogenetic location: 19q13.33.
Variant type: single nucleotide variant.
Coding change: c.5384G>A on transcript NM_001145809.2 (MANE Select); coding-DNA position 5384, G replaced by A.
Protein change: p.Arg1795His; replaces arginine 1795 with histidine.
Molecular consequence: missense variant.
Genome position (GRCh38, 1-based): chr19:50,293,602, G>A. VCF-style: chr19-50293602-G-A. GRCh37 (hg19) VCF-style: chr19-50796859-G-A.
Other names: c.5285G>A, p.Arg1762His (NM_001077186.2); c.5261G>A, p.Arg1754His (NM_024729.4); short protein forms R1762H, R1795H, R1754H.
Identifiers: ClinVar variation 892933 (VCV000892933.7), dbSNP rs567922009, ClinGen allele CA9593782.
Genomic context (GRCh38, chr19:50,293,602, plus strand): 5'-CCACGCCTTCCTGTCTCCCTAGGGCAGCCATTCTGGAGGAGAAGCGTCAGCTGGAGGGGC[G>A]CCTGGGGCAGTTGGAGGAAGAGCTGGAGGAGGAGCAGAGCAACTCGGAGCTGCTCAATGA-3'
Protein context (NP_001139281.1, residues 1785-1805): ILEEKRQLEG[Arg1795His]LGQLEEELEE